The following is an entry in ClinVar:

ClinVar aggregate classification (germline): Uncertain significance (1 of 4 stars; one submission).

Conditions:
Neurodevelopmental disorder with hypotonia, dysmorphic facies, and skeletal anomalies, with or without seizures (NEDFSS). Also called: TRPM3-Related Neurodevelopmental Disorder. Identifiers: MedGen C5830244, MONDO:0859365, OMIM 620224.

Submission:

3billion
Classification: Uncertain significance for Neurodevelopmental disorder with hypotonia, dysmorphic facies, and skeletal anomalies, with or without seizures. Last evaluated: 2025-10-25. Review status: criteria provided, single submitter. Criteria: ACMG Guidelines, 2015. Collection method: clinical testing. Allele origin: germline. Affected: yes.
Comment: The variant is not observed in the gnomAD v4.1.0 dataset. Predicted Consequence/Location: Synonymous variant In silico tools predict the variant to alter splicing and produce an abnormal transcript [SpliceAI: 0.85 (>=0.2, moderate evidence for spliceogenicity)]. Therefore, this variant is classified as VUS according to the recommendation of ACMG/AMP guideline.

NM_001366145.2(TRPM3):c.177G>A (p.Lys59=)

Gene: TRPM3 (transient receptor potential cation channel subfamily M member 3; minus strand). Cytogenetic location: 9q21.12.
Variant type: single nucleotide variant.
Coding change: c.177G>A on transcript NM_001366145.2 (MANE Select); coding-DNA position 177, G replaced by A.
Protein change: p.Lys59=; no amino-acid change (lysine 59 retained).
Molecular consequence: synonymous variant. On other transcripts: intron variant (4).
Genome position (GRCh38, 1-based): chr9:71,121,178, C>T on the plus strand (G>A on the coding strand, the complement: TRPM3 is on the minus strand). VCF-style: chr9-71121178-C-T. GRCh37 (hg19) VCF-style: chr9-73736094-C-T.
Other names: c.177G>A, p.Lys59= (NM_001007471.4, NM_001366146.2, NM_001366147.2 and 6 more transcripts); c.184-256667G>A (NM_001366143.2, NM_001366141.2, NM_001366142.2 and 1 more transcripts).
Identifiers: ClinVar variation 4854381 (VCV004854381.1).